The following is an entry in ClinVar:

NM_001379500.1(COL18A1):c.1934G>A (p.Gly645Asp)

Gene: COL18A1 (collagen type XVIII alpha 1 chain; plus strand). Cytogenetic location: 21q22.3.
Variant type: single nucleotide variant.
Coding change: c.1934G>A on transcript NM_001379500.1 (MANE Select); coding-DNA position 1934, G replaced by A.
Protein change: p.Gly645Asp; replaces glycine 645 with aspartic acid.
Molecular consequence: missense variant.
Genome position (GRCh38, 1-based): chr21:45,489,496, G>A. VCF-style: chr21-45489496-G-A. GRCh37 (hg19) VCF-style: chr21-46909410-G-A.
Other names: c.2474G>A, p.Gly825Asp (NM_030582.4); c.3179G>A, p.Gly1060Asp (NM_130444.3); c.2474G>A (NM_030582.3); short protein forms G1060D, G645D, G825D.
Identifiers: ClinVar variation 2416805 (VCV002416805.7), dbSNP rs2036224204, ClinGen allele CA410496630.

ClinVar aggregate classification (germline): Uncertain significance. Review status: criteria provided, multiple submitters, no conflicts (2 of 4 stars). 2 submissions from 2 submitters: Uncertain significance (2). Last evaluated 2025-07-24.

Conditions:
COL18A1-related disorder. Also called: COL18A1-related condition; COL18A1-related disorders.

Allele frequency attached by ClinVar (database versions not stated): TOPMed below 0.00001; gnomAD exomes 0.00001.
gnomAD v4.1: 10 of 1,603,232 alleles (0.00062%); highest among the groups gnomAD compares: Non-Finnish European, 0.00085%; no homozygotes.

Submissions (2):

PreventionGenetics, part of Exact Sciences
Classification: Uncertain significance for COL18A1-related condition. Last evaluated: 2025-07-24. Review status: criteria provided, single submitter. Criteria: ACMG Guidelines, 2015. Collection method: clinical testing. Allele origin: germline.
Comment: The COL18A1 c.2474G>A variant is predicted to result in the amino acid substitution p.Gly825Asp. To our knowledge, this variant has not been reported in the literature or in a large population database (gnomAD), indicating this variant is rare. At this time, the clinical significance of this variant is uncertain due to the absence of conclusive functional and genetic evidence.

Labcorp Genetics (formerly Invitae), Labcorp
Classification: Uncertain significance. Last evaluated: 2024-10-23. Review status: criteria provided, single submitter. Criteria: Invitae Variant Classification Sherloc (09022015). Collection method: clinical testing. Allele origin: germline.
Comment: This sequence change replaces glycine, which is neutral and non-polar, with aspartic acid, which is acidic and polar, at codon 645 of the COL18A1 protein (p.Gly645Asp). This variant is not present in population databases (gnomAD no frequency). This variant has not been reported in the literature in individuals affected with COL18A1-related conditions. ClinVar contains an entry for this variant (Variation ID: 2416805). Experimental studies and prediction algorithms are not available or were not evaluated, and the functional significance of this variant is currently unknown. In summary, the available evidence is currently insufficient to determine the role of this variant in disease. Therefore, it has been classified as a Variant of Uncertain Significance.